The following is an entry in ClinVar:

NM_004523.4(KIF11):c.2667T>C (p.Asp889=)

Gene: KIF11 (kinesin family member 11; plus strand). Cytogenetic location: 10q23.33.
Variant type: single nucleotide variant.
Coding change: c.2667T>C on transcript NM_004523.4 (MANE Select); coding-DNA position 2667, T replaced by C.
Protein change: p.Asp889=; no amino-acid change (aspartic acid 889 retained).
Molecular consequence: synonymous variant.
Genome position (GRCh38, 1-based): chr10:92,648,331, T>C. VCF-style: chr10-92648331-T-C. GRCh37 (hg19) VCF-style: chr10-94408088-T-C.
Other names: c.2667T>C (NM_004523.3).
Identifiers: ClinVar variation 1943659 (VCV001943659.7), dbSNP rs1844943554, ClinGen allele CA470942910.

ClinVar aggregate classification (germline): Likely benign. Review status: criteria provided, multiple submitters, no conflicts (2 of 4 stars). 3 submissions from 3 submitters: Likely benign (3). Last evaluated 2025-12-11.

Conditions:
KIF11-related disorder. Also called: KIF11-related condition.

Allele frequency attached by ClinVar (database versions not stated): gnomAD exomes below 0.00001; TOPMed below 0.00001.
gnomAD v4.1: 3 of 1,612,006 alleles (0.00019%); highest among the groups gnomAD compares: East Asian, 0.0022%; no homozygotes.

Submissions (3):

Labcorp Genetics (formerly Invitae), Labcorp
Classification: Likely benign. Last evaluated: 2025-12-11. Review status: criteria provided, single submitter. Criteria: Invitae Variant Classification Sherloc (09022015). Collection method: clinical testing. Allele origin: germline.

PreventionGenetics, part of Exact Sciences
Classification: Likely benign for KIF11-related condition. Last evaluated: 2025-08-05. Review status: criteria provided, single submitter. Criteria: ACMG Guidelines, 2015. Collection method: clinical testing. Allele origin: germline.
Comment: This variant is classified as likely benign based on ACMG/AMP sequence variant interpretation guidelines (Richards et al. 2015 PMID: 25741868, with internal and published modifications).

Blueprint Genetics
Classification: Likely benign. Last evaluated: 2023-08-10. Review status: criteria provided, single submitter. Criteria: ACMG Guidelines, 2015. Collection method: clinical testing. Allele origin: germline.